The following is an entry in ClinVar:

ClinVar aggregate classification (germline): Uncertain significance. Review status: criteria provided, multiple submitters, no conflicts (2 of 4 stars). 2 submissions from 2 submitters: Uncertain significance (2). Last evaluated 2025-08-05.

Conditions:
Long QT syndrome (LQTS). Identifiers: MedGen C0023976, MeSH D008133, MONDO:0002442. Disease mechanism: loss of function. Inheritance: Various modes of inheritance.

Allele frequency attached by ClinVar (database versions not stated): gnomAD 0.00001; gnomAD exomes 0.00001; TOPMed below 0.00001; ExAC 0.00001.
gnomAD v4.1: 18 of 1,612,958 alleles (0.0011%); highest among the groups gnomAD compares: Non-Finnish European, 0.0015%; no homozygotes.

Submissions (2):

GeneDx
Classification: Uncertain significance. Last evaluated: 2025-08-05. Review status: criteria provided, single submitter. Criteria: GeneDx Variant Classification Process June 2021. Collection method: clinical testing. Allele origin: germline. Affected: yes.
Comment: Not observed at significant frequency in large population cohorts (gnomAD); In silico analysis supports that this missense variant has a deleterious effect on protein structure/function; Has not been previously published as pathogenic or benign to our knowledge

Labcorp Genetics (formerly Invitae), Labcorp
Classification: Uncertain significance for Long QT syndrome. Last evaluated: 2022-11-03. Review status: criteria provided, single submitter. Criteria: Invitae Variant Classification Sherloc (09022015). Collection method: clinical testing. Allele origin: germline.
Comment: This sequence change replaces tyrosine, which is neutral and polar, with cysteine, which is neutral and slightly polar, at codon 86 of the CACNA1C protein (p.Tyr86Cys). This variant is present in population databases (rs768230910, gnomAD 0.0009%). This variant has not been reported in the literature in individuals affected with CACNA1C-related conditions. ClinVar contains an entry for this variant (Variation ID: 190687). Advanced modeling of protein sequence and biophysical properties (such as structural, functional, and spatial information, amino acid conservation, physicochemical variation, residue mobility, and thermodynamic stability) has been performed at Invitae for this missense variant, however the output from this modeling did not meet the statistical confidence thresholds required to predict the impact of this variant on CACNA1C protein function. In summary, the available evidence is currently insufficient to determine the role of this variant in disease. Therefore, it has been classified as a Variant of Uncertain Significance.

NM_000719.7(CACNA1C):c.257A>G (p.Tyr86Cys)

Gene: CACNA1C (calcium voltage-gated channel subunit alpha1 C; plus strand). Cytogenetic location: 12p13.33.
Variant type: single nucleotide variant.
Coding change: c.257A>G on transcript NM_000719.7 (MANE Select); coding-DNA position 257, A replaced by G.
Protein change: p.Tyr86Cys; replaces tyrosine 86 with cysteine.
Molecular consequence: missense variant.
Genome position (GRCh38, 1-based): chr12:2,115,431, A>G. VCF-style: chr12-2115431-A-G. GRCh37 (hg19) VCF-style: chr12-2224597-A-G.
Other names: p.Y86C:TAT>TGT; c.257A>G, p.Tyr86Cys (NM_001129827.2, NM_001129829.2, NM_001129830.3 and 19 more transcripts); short protein forms Y86C.
Identifiers: ClinVar variation 190687 (VCV000190687.8), dbSNP rs768230910, ClinGen allele CA301639.